The following is an entry in ClinVar:

NM_000081.4(LYST):c.3173G>T (p.Ser1058Ile)

Gene: LYST (lysosomal trafficking regulator; minus strand). Cytogenetic location: 1q42.3.
Variant type: single nucleotide variant.
Coding change: c.3173G>T on transcript NM_000081.4 (MANE Select); coding-DNA position 3173, G replaced by T.
Protein change: p.Ser1058Ile; replaces serine 1058 with isoleucine.
Molecular consequence: missense variant.
Genome position (GRCh38, 1-based): chr1:235,805,963, C>A on the plus strand (G>T on the coding strand, the complement: LYST is on the minus strand). VCF-style: chr1-235805963-C-A. GRCh37 (hg19) VCF-style: chr1-235969263-C-A.
Other names: c.3173G>T, p.Ser1058Ile (NM_001301365.1); c.3173G>T (NM_000081.2); short protein forms S1058I.
Identifiers: ClinVar variation 855538 (VCV000855538.9), dbSNP rs1395369517, ClinGen allele CA344952953.
Genomic context (GRCh38, chr1:235,805,963, plus strand): 5'-ACTTCTTCCACATTTATGGAAGAAATATGCTGTAACTCTAATTTACCTAAACTGTCAGCA[C>A]TCTTTTTTAGACTACCTAGTTCTGATGGTATGGGGTCACTTTTTATAGCCAAAGATAATA-3'
Protein context (NP_000072.2, residues 1048-1068): IPSELGSLKK[Ser1058Ile]ADSLGKLELQ

ClinVar aggregate classification (germline): Uncertain significance. Review status: criteria provided, multiple submitters, no conflicts (2 of 4 stars). 2 submissions from 2 submitters: Uncertain significance (2). Last evaluated 2023-12-19.

Conditions:
Inborn genetic diseases. Identifiers: MedGen C0950123, MeSH D030342.
Chédiak-Higashi syndrome (CHS). Also called: Chediak-Higashi Syndrome. Identifiers: Orphanet 167, MedGen C0007965, MONDO:0008963, OMIM 214500.

Allele frequency attached by ClinVar (database versions not stated): TOPMed 0.00002.
gnomAD v4.1: 4 of 1,613,664 alleles (0.00025%); highest among the groups gnomAD compares: African/African-American, 0.0053%; no homozygotes.

Submissions (2):

Labcorp Genetics (formerly Invitae), Labcorp
Classification: Uncertain significance for Chédiak-Higashi syndrome. Last evaluated: 2023-12-19. Review status: criteria provided, single submitter. Criteria: Invitae Variant Classification Sherloc (09022015). Collection method: clinical testing. Allele origin: germline.
Comment: This sequence change replaces serine, which is neutral and polar, with isoleucine, which is neutral and non-polar, at codon 1058 of the LYST protein (p.Ser1058Ile). This variant is present in population databases (no rsID available, gnomAD 0.01%). This variant has not been reported in the literature in individuals affected with LYST-related conditions. ClinVar contains an entry for this variant (Variation ID: 855538). An algorithm developed to predict the effect of missense changes on protein structure and function (PolyPhen-2) suggests that this variant is likely to be tolerated. In summary, the available evidence is currently insufficient to determine the role of this variant in disease. Therefore, it has been classified as a Variant of Uncertain Significance.

Ambry Genetics
Classification: Uncertain significance for Inborn genetic diseases. Last evaluated: 2023-04-07. Review status: criteria provided, single submitter. Criteria: Ambry Variant Classification Scheme 2023. Collection method: clinical testing. Allele origin: germline.